The following is an entry in ClinVar:

NM_007254.4(PNKP):c.703A>G (p.Lys235Glu)

Gene: PNKP (polynucleotide kinase 3'-phosphatase; minus strand). Cytogenetic location: 19q13.33.
Variant type: single nucleotide variant.
Coding change: c.703A>G on transcript NM_007254.4 (MANE Select); coding-DNA position 703, A replaced by G.
Protein change: p.Lys235Glu; replaces lysine 235 with glutamic acid.
Molecular consequence: missense variant.
Genome position (GRCh38, 1-based): chr19:49,864,005, T>C on the plus strand (A>G on the coding strand, the complement: PNKP is on the minus strand). VCF-style: chr19-49864005-T-C. GRCh37 (hg19) VCF-style: chr19-50367262-T-C.
Other names: short protein forms K235E.
Identifiers: ClinVar variation 1500403 (VCV001500403.8), dbSNP rs2122334434, ClinGen allele CA406886151.

ClinVar aggregate classification (germline): Uncertain significance (1 of 4 stars; one submission).

Conditions:
Developmental and epileptic encephalopathy, 12 (DEE12). Identifiers: MedGen C3150988, MONDO:0013389, OMIM 613722.

Submission:

Labcorp Genetics (formerly Invitae), Labcorp
Classification: Uncertain significance for Developmental and epileptic encephalopathy, 12. Last evaluated: 2020-11-16. Review status: criteria provided, single submitter. Criteria: Invitae Variant Classification Sherloc (09022015). Collection method: clinical testing. Allele origin: germline.
Comment: This sequence change replaces lysine with glutamic acid at codon 235 of the PNKP protein (p.Lys235Glu). The lysine residue is highly conserved and there is a small physicochemical difference between lysine and glutamic acid. This variant is not present in population databases (ExAC no frequency). This variant has not been reported in the literature in individuals with PNKP-related conditions. Algorithms developed to predict the effect of missense changes on protein structure and function (SIFT, PolyPhen-2, Align-GVGD) all suggest that this variant is likely to be disruptive, but these predictions have not been confirmed by published functional studies and their clinical significance is uncertain. In summary, the available evidence is currently insufficient to determine the role of this variant in disease. Therefore, it has been classified as a Variant of Uncertain Significance.